The following is an entry in ClinVar:

NM_006063.3(KLHL41):c.73G>A (p.Asp25Asn)

Gene: KLHL41 (kelch like family member 41; plus strand). Cytogenetic location: 2q31.1.
Variant type: single nucleotide variant.
Coding change: c.73G>A on transcript NM_006063.3 (MANE Select); coding-DNA position 73, G replaced by A.
Protein change: p.Asp25Asn; replaces aspartic acid 25 with asparagine.
Molecular consequence: missense variant.
Genome position (GRCh38, 1-based): chr2:169,509,851, G>A. VCF-style: chr2-169509851-G-A. GRCh37 (hg19) VCF-style: chr2-170366361-G-A.
Other names: short protein forms D25N.
Identifiers: ClinVar variation 2116034 (VCV002116034.4), dbSNP rs376586719, ClinGen allele CA349172775.

ClinVar aggregate classification (germline): Uncertain significance (1 of 4 stars; one submission).

Conditions:
Nemaline myopathy 9 (NEM9). Identifiers: MedGen C3810384, MONDO:0014326, OMIM 615731.

gnomAD v4.1: 1 of 1,614,078 alleles (0.000062%); highest among the groups gnomAD compares: Admixed American, 0.0017%; no homozygotes.

Submission:

Labcorp Genetics (formerly Invitae), Labcorp
Classification: Uncertain significance for Nemaline myopathy 9. Last evaluated: 2022-03-29. Review status: criteria provided, single submitter. Criteria: Invitae Variant Classification Sherloc (09022015). Collection method: clinical testing. Allele origin: germline.
Comment: In summary, the available evidence is currently insufficient to determine the role of this variant in disease. Therefore, it has been classified as a Variant of Uncertain Significance. Algorithms developed to predict the effect of missense changes on protein structure and function are either unavailable or do not agree on the potential impact of this missense change (SIFT: "Deleterious"; PolyPhen-2: "Possibly Damaging"; Align-GVGD: "Class C0"). This variant has not been reported in the literature in individuals affected with KLHL41-related conditions. This variant is present in population databases (no rsID available, gnomAD 0.003%). This sequence change replaces aspartic acid, which is acidic and polar, with asparagine, which is neutral and polar, at codon 25 of the KLHL41 protein (p.Asp25Asn).